The following is an entry in ClinVar:

NM_001099922.3(ALG13):c.680G>A (p.Gly227Asp)

Gene: ALG13 (ALG13 UDP-N-acetylglucosaminyltransferase subunit; plus strand). Cytogenetic location: Xq23.
Variant type: single nucleotide variant.
Coding change: c.680G>A on transcript NM_001099922.3 (MANE Select); coding-DNA position 680, G replaced by A.
Protein change: p.Gly227Asp; replaces glycine 227 with aspartic acid.
Molecular consequence: missense variant. On other transcripts: non-coding transcript variant (1).
Genome position (GRCh38, 1-based): chrX:111,708,323, G>A. VCF-style: chrX-111708323-G-A. GRCh37 (hg19) VCF-style: chrX-110951551-G-A.
Other names: c.368G>A, p.Gly123Asp (NM_001257230.2, NM_001257234.2, NM_001257237.2 and 1 more transcripts); c.446G>A, p.Gly149Asp (NM_001257231.2); c.680G>A, p.Gly227Asp (NM_001324292.2); short protein forms G227D, G123D, G149D.
Identifiers: ClinVar variation 855408 (VCV000855408.7), dbSNP rs760283484, ClinGen allele CA10493564.

ClinVar aggregate classification (germline): Uncertain significance (1 of 4 stars; one submission).

Conditions:
Developmental and epileptic encephalopathy, 36 (DEE36). Also called: Congenital disorder of glycosylation, type Is; Epileptic encephalopathy, early infantile, 36; ALG13-CDG. Identifiers: Orphanet 324422, MedGen C4317295, MONDO:0010472, OMIM 300884.

Allele frequency attached by ClinVar (database versions not stated): ExAC 0.00001; gnomAD exomes 0.00001; gnomAD 0.00002; TOPMed 0.00002.
gnomAD v4.1: 2 of 1,209,870 alleles (0.00017%); highest among the groups gnomAD compares: African/African-American, 0.0035%; no homozygotes.

Submission:

Labcorp Genetics (formerly Invitae), Labcorp
Classification: Uncertain significance for Developmental and epileptic encephalopathy, 36. Last evaluated: 2021-08-30. Review status: criteria provided, single submitter. Criteria: Invitae Variant Classification Sherloc (09022015). Collection method: clinical testing. Allele origin: germline.
Comment: This sequence change replaces glycine with aspartic acid at codon 227 of the ALG13 protein (p.Gly227Asp). The glycine residue is weakly conserved and there is a moderate physicochemical difference between glycine and aspartic acid. The frequency data for this variant in the population databases is considered unreliable, as metrics indicate poor data quality at this position in the ExAC database. This variant has not been reported in the literature in individuals affected with ALG13-related conditions. Algorithms developed to predict the effect of missense changes on protein structure and function are either unavailable or do not agree on the potential impact of this missense change (SIFT: "Tolerated"; PolyPhen-2: "Probably Damaging"; Align-GVGD: "Class C0"). In summary, the available evidence is currently insufficient to determine the role of this variant in disease. Therefore, it has been classified as a Variant of Uncertain Significance.